The following is an entry in ClinVar:

NM_004656.4(BAP1):c.207G>A (p.Thr69=)

Gene: BAP1 (BRCA1 associated deubiquitinase 1; minus strand). Cytogenetic location: 3p21.1.
Variant type: single nucleotide variant.
Coding change: c.207G>A on transcript NM_004656.4 (MANE Select); coding-DNA position 207, G replaced by A.
Protein change: p.Thr69=; no amino-acid change (threonine 69 retained).
Molecular consequence: synonymous variant.
Genome position (GRCh38, 1-based): chr3:52,408,522, C>T on the plus strand (G>A on the coding strand, the complement: BAP1 is on the minus strand). VCF-style: chr3-52408522-C-T. GRCh37 (hg19) VCF-style: chr3-52442538-C-T.
Other names: c.207G>A (LRG_529t1).
Identifiers: ClinVar variation 472691 (VCV000472691.24), dbSNP rs748256162, ClinGen allele CA2437159.

ClinVar aggregate classification (germline): Benign/Likely benign. Review status: criteria provided, multiple submitters, no conflicts (2 of 4 stars). 7 submissions from 7 submitters: Benign (2); Likely benign (5). Last evaluated 2026-01-09.

Conditions:
BAP1-related disorder. Also called: BAP1-related condition.
Hereditary cancer-predisposing syndrome. Also called: Neoplastic Syndromes, Hereditary; Hereditary Cancer Syndrome; Tumor predisposition; Hereditary neoplastic syndrome. Identifiers: Orphanet 140162, MedGen C0027672, MeSH D009386, MONDO:0015356.
BAP1-related tumor predisposition syndrome (TPDS1). Also called: Tumor susceptibility linked to germline BAP1 mutations; COMMON Syndrome; BAP1 tumor predisposition syndrome; TUMOR PREDISPOSITION SYNDROME 1. Identifiers: Orphanet 289539, MedGen C3280492, MONDO:0013692, OMIM 614327.

Allele frequency attached by ClinVar (database versions not stated): gnomAD exomes 0.00001 and 0.00003; TOPMed 0.00001; ExAC 0.00002; gnomAD 0.00003.
gnomAD v4.1: 18 of 1,612,054 alleles (0.0011%); highest among the groups gnomAD compares: East Asian, 0.0067%; no homozygotes.

Submissions (7):

PreventionGenetics, part of Exact Sciences
Classification: Likely benign for BAP1-related condition. Last evaluated: 2026-01-09. Review status: criteria provided, single submitter. Criteria: ACMG Guidelines, 2015. Collection method: clinical testing. Allele origin: germline.
Comment: This variant is classified as likely benign based on ACMG/AMP sequence variant interpretation guidelines (Richards et al. 2015 PMID: 25741868, with internal and published modifications).

Labcorp Genetics (formerly Invitae), Labcorp
Classification: Likely benign for BAP1-related tumor predisposition syndrome. Last evaluated: 2025-12-31. Review status: criteria provided, single submitter. Criteria: Invitae Variant Classification Sherloc (09022015). Collection method: clinical testing. Allele origin: germline.

Quest Diagnostics Nichols Institute San Juan Capistrano
Classification: Likely benign. Last evaluated: 2025-06-13. Review status: criteria provided, single submitter. Criteria: Quest Diagnostics criteria. Collection method: clinical testing. Allele origin: unknown.

KCCC/NGS Laboratory, Kuwait Cancer Control Center
Classification: Benign for BAP1-related tumor predisposition syndrome. Last evaluated: 2025-02-01. Review status: criteria provided, single submitter. Criteria: ACMG Guidelines, 2015. Collection method: clinical testing. Allele origin: germline. Affected: no.

Myriad Genetics, Inc.
Classification: Benign for BAP1-related tumor predisposition syndrome. Last evaluated: 2024-07-11. Review status: criteria provided, single submitter. Criteria: Myriad Autosomal Dominant, Autosomal Recessive and X-Linked Classification Criteria (2023). Collection method: clinical testing. Allele origin: unknown.
Comment: This variant is considered benign. This variant is a silent/synonymous amino acid change and it is not expected to impact splicing.

Color Diagnostics, LLC DBA Color Health
Classification: Likely benign for Hereditary cancer-predisposing syndrome. Last evaluated: 2017-03-08. Review status: criteria provided, single submitter. Criteria: ACMG Guidelines, 2015. Collection method: clinical testing. Allele origin: germline.

Ambry Genetics
Classification: Likely benign for Hereditary cancer-predisposing syndrome. Last evaluated: 2016-09-22. Review status: criteria provided, single submitter. Criteria: Ambry Variant Classification Scheme 2023. Collection method: clinical testing. Allele origin: germline.

Literature cited by the submitters: PubMed 26452128 (cited by Quest Diagnostics Nichols Institute San Juan Capistrano).